The following is an entry in ClinVar:

ClinVar aggregate classification (germline): Benign/Likely benign. Review status: criteria provided, multiple submitters, no conflicts (2 of 4 stars). 12 submissions from 12 submitters: Benign (6); Likely benign (1). 5 of the submissions do not count toward it. Last evaluated 2026-02-04.

Conditions:
Autosomal recessive ataxia due to ubiquinone deficiency. Also called: Coenzyme Q10 deficiency, primary, 4; SPINOCEREBELLAR ATAXIA, AUTOSOMAL RECESSIVE 9. Identifiers: Orphanet 139485, MedGen C2677589, MONDO:0012784, OMIM 612016.

Allele frequency attached by ClinVar (database versions not stated): 1000 Genomes Project 0.31390; 1000 Genomes Project 30x 0.31918; ExAC 0.40536; TOPMed 0.40866; gnomAD 0.41129 and 0.42035; ESP Exome Variant Server 0.44218; gnomAD exomes 0.47101.
gnomAD v4.1: 749,820 of 1,613,056 alleles (46%); highest among the groups gnomAD compares: Non-Finnish European, 51%; 180,993 homozygotes.

Submissions (12):

Labcorp Genetics (formerly Invitae), Labcorp
Classification: Benign. Last evaluated: 2026-02-04. Review status: criteria provided, single submitter. Criteria: Invitae Variant Classification Sherloc (09022015). Collection method: clinical testing. Allele origin: germline.

Blueprint Genetics
Classification: Likely benign. Last evaluated: 2024-11-26. Review status: criteria provided, single submitter. Criteria: ACMG Guidelines, 2015. Collection method: clinical testing. Allele origin: germline.

Genome-Nilou Lab
Classification: Benign for Autosomal recessive ataxia due to ubiquinone deficiency. Last evaluated: 2021-07-14. Review status: criteria provided, single submitter. Criteria: ACMG Guidelines, 2015. Collection method: clinical testing. Allele origin: germline. Affected: no.

Illumina Laboratory Services, Illumina
Classification: Benign for Autosomal recessive ataxia due to ubiquinone deficiency. Last evaluated: 2018-01-13. Review status: criteria provided, single submitter. Criteria: ICSL Variant Classification Criteria 13 December 2019. Collection method: clinical testing. Allele origin: germline.
Comment: This variant was observed in the ICSL laboratory as part of a predisposition screen in an ostensibly healthy population. It had not been previously curated by ICSL or reported in the Human Gene Mutation Database (HGMD: prior to June 1st, 2018), and was therefore a candidate for classification through an automated scoring system. Utilizing variant allele frequency, disease prevalence and penetrance estimates, and inheritance mode, an automated score was calculated to assess if this variant is too frequent to cause the disease. Based on the score and internal cut-off values, a variant classified as benign is not then subjected to further curation. The score for this variant resulted in a classification of benign for this disease.

Clinical Genetics DNA and cytogenetics Diagnostics Lab, Erasmus MC, Erasmus Medical Center
Classification: Benign for Autosomal recessive ataxia due to ubiquinone deficiency. Last evaluated: 2015-09-21. Review status: criteria provided, single submitter. Criteria: ACGS Guidelines, 2013. Collection method: clinical testing. Allele origin: germline. Affected: yes. Study: VKGL Data-share Consensus.

GeneDx
Classification: Benign. Last evaluated: 2015-03-03. Review status: criteria provided, single submitter. Criteria: GeneDx Variant Classification Process June 2021. Collection method: clinical testing. Allele origin: germline. Affected: yes.

Breakthrough Genomics
Classification: Benign. Review status: criteria provided, single submitter. Criteria: ACMG Guidelines, 2015. Collection method: not provided. Allele origin: germline. Inheritance: Autosomal recessive inheritance. Affected: yes.

Mayo Clinic Laboratories, Mayo Clinic
Classification: Benign. Last evaluated: 2016-02-11. Review status: no assertion criteria provided. Collection method: clinical testing. Allele origin: unknown. Not counted in ClinVar's aggregate classification.

Clinical Genetics, Academic Medical Center
Classification: Benign. Review status: no assertion criteria provided. Collection method: clinical testing. Allele origin: germline. Affected: yes. Study: VKGL Data-share Consensus. Not counted in ClinVar's aggregate classification.

Diagnostic Laboratory, Department of Genetics, University Medical Center Groningen
Classification: Benign for Autosomal recessive ataxia due to ubiquinone deficiency. Review status: no assertion criteria provided. Collection method: clinical testing. Allele origin: germline. Affected: yes. Study: VKGL Data-share Consensus. Not counted in ClinVar's aggregate classification.

Genetic Services Laboratory, University of Chicago
Classification: Likely benign for AllHighlyPenetrant. Review status: no assertion criteria provided. Collection method: clinical testing. Allele origin: germline. Inheritance: Autosomal recessive inheritance. Not counted in ClinVar's aggregate classification.
Comment: Likely benign based on allele frequency in 1000 Genomes Project or ESP global frequency and its presence in a patient with a rare or unrelated disease phenotype. NOT Sanger confirmed.

Joint Genome Diagnostic Labs from Nijmegen and Maastricht, Radboudumc and MUMC+
Classification: Benign. Review status: no assertion criteria provided. Collection method: clinical testing. Allele origin: germline. Affected: yes. Study: VKGL Data-share Consensus. Not counted in ClinVar's aggregate classification.

NM_020247.5(COQ8A):c.1716T>C (p.Ser572=)

Gene: COQ8A (coenzyme Q8A; plus strand). Cytogenetic location: 1q42.13.
Variant type: single nucleotide variant.
Coding change: c.1716T>C on transcript NM_020247.5 (MANE Select); coding-DNA position 1716, T replaced by C.
Protein change: p.Ser572=; no amino-acid change (serine 572 retained).
Molecular consequence: synonymous variant.
Genome position (GRCh38, 1-based): chr1:226,986,509, T>C. VCF-style: chr1-226986509-T-C. GRCh37 (hg19) VCF-style: chr1-227174210-T-C.
Identifiers: ClinVar variation 128275 (VCV000128275.33), dbSNP rs3738725, ClinGen allele CA151599.
Genomic context (GRCh38, chr1:226,986,509, plus strand): 5'-CCAGGTCATGGAAGACGCCCACTTGGATGCCATCCTCATCCTGGGGGAGGCCTTCGCCTC[T>C]GATGAGCCTTTTGATTTTGGCACTCAGAGCACCACCGAGAAGATCCACAACCTGATTCCC-3'
Protein context (NP_064632.2, residues 562-582): AILILGEAFA[Ser572=]DEPFDFGTQS